The following is an entry in ClinVar:

ClinVar aggregate classification (germline): Uncertain significance. Review status: reviewed by expert panel (3 of 4 stars). 2 submissions from 2 submitters: Uncertain significance (1). 1 of the submissions does not count toward it. Last evaluated 2023-08-21.

Conditions:
CDH1-related diffuse gastric and lobular breast cancer syndrome. Also called: CDH1-related diffuse gastric and lobular breast cancer. Identifiers: MedGen CN311521, MONDO:0100488.
Hereditary diffuse gastric adenocarcinoma (HDGC). Also called: DIFFUSE GASTRIC AND LOBULAR BREAST CANCER SYNDROME. Identifiers: Orphanet 26106, MedGen C1708349, MONDO:0007648, OMIM 137215.

Submissions (2):

Clingen Gastric Cancer Variant Curation Expert Panel
Classification: Uncertain significance for CDH1-related diffuse gastric and lobular breast cancer syndrome. Last evaluated: 2023-08-21. Review status: reviewed by expert panel. Criteria: ClinGen CDH1 ACMG Specifications V3.1. Collection method: curation. Allele origin: germline. Inheritance: Autosomal dominant inheritance.
Comment: The c.614T>C (p. Phe205Ser) variant is absent in the gnomAD cohort (PM2_Supporting). This variant has been reported in at least one family meeting HDGC clinical criteria (PS4_Supporting; internal laboratory contributor). In summary, the clinical significance of this variant is uncertain. ACMG/AMP criteria applied, as specified by the CDH1 Variant Curation Expert Panel (Variant Interpretation Guidelines Version 3.1): PM2_Supporting, PS4_Supporting.

Labcorp Genetics (formerly Invitae), Labcorp
Classification: Uncertain significance for Hereditary diffuse gastric adenocarcinoma. Last evaluated: 2023-01-26. Review status: criteria provided, single submitter. Criteria: Invitae Variant Classification Sherloc (09022015). Collection method: clinical testing. Allele origin: germline. Not counted in ClinVar's aggregate classification.
Comment: This variant is not present in population databases (gnomAD no frequency). This sequence change replaces phenylalanine, which is neutral and non-polar, with serine, which is neutral and polar, at codon 205 of the CDH1 protein (p.Phe205Ser). This variant has not been reported in the literature in individuals affected with CDH1-related conditions. In summary, the available evidence is currently insufficient to determine the role of this variant in disease. Therefore, it has been classified as a Variant of Uncertain Significance. Algorithms developed to predict the effect of missense changes on protein structure and function (SIFT, PolyPhen-2, Align-GVGD) all suggest that this variant is likely to be disruptive. ClinVar contains an entry for this variant (Variation ID: 599654).

NM_004360.5(CDH1):c.614T>C (p.Phe205Ser)

Gene: CDH1 (cadherin 1; plus strand). Cytogenetic location: 16q22.1.
Variant type: single nucleotide variant.
Coding change: c.614T>C on transcript NM_004360.5 (MANE Select); coding-DNA position 614, T replaced by C.
Protein change: p.Phe205Ser; replaces phenylalanine 205 with serine.
Molecular consequence: missense variant. On other transcripts: 5 prime UTR variant (2).
Genome position (GRCh38, 1-based): chr16:68,808,775, T>C. VCF-style: chr16-68808775-T-C. GRCh37 (hg19) VCF-style: chr16-68842678-T-C.
Other names: c.614T>C, p.Phe205Ser (NM_001317184.2); c.-1002T>C (NM_001317185.2); c.-1206T>C (NM_001317186.2); c.614T>C (LRG_301t1); short protein forms F205S.
Identifiers: ClinVar variation 599654 (VCV000599654.15), dbSNP rs1567504835, ClinGen allele CA396458013.